The following is an entry in ClinVar:

NM_006231.4(POLE):c.4081A>T (p.Ser1361Cys)

Gene: POLE (DNA polymerase epsilon, catalytic subunit; minus strand). Cytogenetic location: 12q24.33.
Variant type: single nucleotide variant.
Coding change: c.4081A>T on transcript NM_006231.4 (MANE Select); coding-DNA position 4081, A replaced by T.
Protein change: p.Ser1361Cys; replaces serine 1361 with cysteine.
Molecular consequence: missense variant.
Genome position (GRCh38, 1-based): chr12:132,648,997, T>A on the plus strand (A>T on the coding strand, the complement: POLE is on the minus strand). VCF-style: chr12-132648997-T-A. GRCh37 (hg19) VCF-style: chr12-133225583-T-A.
Other names: short protein forms S1361C.
Identifiers: ClinVar variation 1996003 (VCV001996003.4), dbSNP rs2138598040, ClinGen allele CA387383788.

ClinVar aggregate classification (germline): Uncertain significance (1 of 4 stars; one submission).

Submission:

Labcorp Genetics (formerly Invitae), Labcorp
Classification: Uncertain significance. Last evaluated: 2022-05-18. Review status: criteria provided, single submitter. Criteria: Invitae Variant Classification Sherloc (09022015). Collection method: clinical testing. Allele origin: germline.
Comment: This sequence change replaces serine, which is neutral and polar, with cysteine, which is neutral and slightly polar, at codon 1361 of the POLE protein (p.Ser1361Cys). This variant is not present in population databases (gnomAD no frequency). This variant has not been reported in the literature in individuals affected with POLE-related conditions. Algorithms developed to predict the effect of missense changes on protein structure and function (SIFT, PolyPhen-2, Align-GVGD) all suggest that this variant is likely to be tolerated. In summary, the available evidence is currently insufficient to determine the role of this variant in disease. Therefore, it has been classified as a Variant of Uncertain Significance.